The following is an entry in ClinVar:

NM_000038.6(APC):c.805A>G (p.Ile269Val)

Gene: APC (APC regulator of Wnt signaling pathway; plus strand). Cytogenetic location: 5q22.2.
Variant type: single nucleotide variant.
Coding change: c.805A>G on transcript NM_000038.6 (MANE Select); coding-DNA position 805, A replaced by G.
Protein change: p.Ile269Val; replaces isoleucine 269 with valine.
Molecular consequence: missense variant. On other transcripts: 5 prime UTR variant (1).
Genome position (GRCh38, 1-based): chr5:112,801,354, A>G. VCF-style: chr5-112801354-A-G. GRCh37 (hg19) VCF-style: chr5-112137051-A-G.
Other names: c.805A>G, p.Ile269Val (NM_001127510.3, NM_001354895.2, NM_001354896.2 and 1 more transcripts); c.751A>G, p.Ile251Val (NM_001127511.3); c.835A>G, p.Ile279Val (NM_001354897.2, NM_001354902.2); c.730A>G, p.Ile244Val (NM_001354898.2, NM_001354904.2); c.721A>G, p.Ile241Val (NM_001354899.2); c.628A>G, p.Ile210Val (NM_001354900.2, NM_001354901.2, NM_001354905.2); c.-231A>G (NM_001354906.2); short protein forms I251V, I269V, I210V, I279V, I244V, I241V.
Identifiers: ClinVar variation 470126 (VCV000470126.10), dbSNP rs1554076203, ClinGen allele CA16023090.

ClinVar aggregate classification (germline): Uncertain significance (1 of 4 stars; one submission).

Conditions:
Familial adenomatous polyposis 1 (FAP1). Also called: POLYPOSIS, ADENOMATOUS INTESTINAL; FAMILIAL ADENOMATOUS POLYPOSIS 1, ATTENUATED. Identifiers: MedGen C2713442, MONDO:0021056, OMIM 175100. Disease mechanism: loss of function.

Submission:

Labcorp Genetics (formerly Invitae), Labcorp
Classification: Uncertain significance for Familial adenomatous polyposis 1. Last evaluated: 2024-04-08. Review status: criteria provided, single submitter. Criteria: Invitae Variant Classification Sherloc (09022015). Collection method: clinical testing. Allele origin: germline.
Comment: This sequence change replaces isoleucine, which is neutral and non-polar, with valine, which is neutral and non-polar, at codon 269 of the APC protein (p.Ile269Val). This variant is not present in population databases (gnomAD no frequency). This variant has not been reported in the literature in individuals affected with APC-related conditions. ClinVar contains an entry for this variant (Variation ID: 470126). Advanced modeling of protein sequence and biophysical properties (such as structural, functional, and spatial information, amino acid conservation, physicochemical variation, residue mobility, and thermodynamic stability) performed at Invitae indicates that this missense variant is not expected to disrupt APC protein function with a negative predictive value of 95%. In summary, the available evidence is currently insufficient to determine the role of this variant in disease. Therefore, it has been classified as a Variant of Uncertain Significance.